The following is an entry in ClinVar:

ClinVar aggregate classification (germline): Pathogenic (1 of 4 stars; one submission).

Conditions:
Deficiency of butyryl-CoA dehydrogenase (ACADSD). Also called: SCAD DEFICIENCY, MILD; ACYL-CoA DEHYDROGENASE, SHORT-CHAIN, DEFICIENCY OF; SCAD Deficiency; Short-Chain Acyl-CoA Dehydrogenase Deficiency; ACADS DEFICIENCY; SCADH DEFICIENCY. Identifiers: Orphanet 26792, MedGen C0342783, MONDO:0008722, OMIM 201470. Disease mechanism: May be benign.

Submission:

Labcorp Genetics (formerly Invitae), Labcorp
Classification: Pathogenic for Deficiency of butyryl-CoA dehydrogenase. Last evaluated: 2022-09-02. Review status: criteria provided, single submitter. Criteria: Invitae Variant Classification Sherloc (09022015). Collection method: clinical testing. Allele origin: germline.
Comment: For these reasons, this variant has been classified as Pathogenic. ClinVar contains an entry for this variant (Variation ID: 1060209). This variant has not been reported in the literature in individuals affected with ACADS-related conditions. This variant is not present in population databases (gnomAD no frequency). This sequence change creates a premature translational stop signal (p.Gly271Alafs*21) in the ACADS gene. It is expected to result in an absent or disrupted protein product. Loss-of-function variants in ACADS are known to be pathogenic (PMID: 12736383, 18523805).

Literature cited by the submitters: PubMed 12736383; PubMed 18523805.

NM_000017.4(ACADS):c.812del (p.Gly271fs)

Gene: ACADS (acyl-CoA dehydrogenase short chain; plus strand). Cytogenetic location: 12q24.31.
Variant type: Deletion.
Coding change: c.812del on transcript NM_000017.4 (MANE Select); coding-DNA position 812, one base deleted (G; older notation c.812delG).
Protein change: p.Gly271fs; shifts the reading frame from glycine 271.
Molecular consequence: frameshift variant.
Genome position (GRCh38, 1-based): chr12:120,738,549, G deleted; the last of 3 consecutive G bases (chr12:120,738,547-120,738,549); deleting any one gives the same sequence. VCF-style (leftmost placement, unchanged base first): chr12-120738546-TG-T. GRCh37 (hg19) VCF-style: chr12-121176349-TG-T.
Other names: c.800del, p.Gly267fs (NM_001302554.2); short protein forms G267fs, G271fs.
Identifiers: ClinVar variation 1060209 (VCV001060209.7), dbSNP rs2136950036, ClinGen allele CA2499221466.